The following is an entry in ClinVar:

ClinVar aggregate classification (germline): Conflicting classifications of pathogenicity. Review status: criteria provided, conflicting classifications (1 of 4 stars). 4 submissions from 4 submitters: Likely pathogenic (2); Uncertain significance (1). 1 of the submissions does not count toward it. Last evaluated 2025-09-02.

Conditions:
Galactosemia. Also called: Galactose intolerance. Identifiers: Orphanet 352, MedGen C0016952, MONDO:0018116, HP:0004919. Disease mechanism: loss of function.
Deficiency of UDPglucose-hexose-1-phosphate uridylyltransferase. Also called: GALACTOSE-1-PHOSPHATE URIDYLYLTRANSFERASE DEFICIENCY; GALT deficiency; Galactosemia, classic; Transferase Deficiency Galactosemia; GALACTOSEMIA I. Identifiers: Orphanet 352, Orphanet 79239, MedGen C0268151, MONDO:0009258, OMIM 230400.

Allele frequency attached by ClinVar (database versions not stated): gnomAD 0.00001 and 0.00002; TOPMed 0.00003; 1000 Genomes Project 30x 0.00031.
gnomAD v4.1: 3 of 1,614,182 alleles (0.00019%); highest among the groups gnomAD compares: African/African-American, 0.0027%; no homozygotes.

Submissions (4):

Labcorp Genetics (formerly Invitae), Labcorp
Classification: Likely pathogenic for Deficiency of UDPglucose-hexose-1-phosphate uridylyltransferase. Last evaluated: 2025-09-02. Review status: criteria provided, single submitter. Criteria: Invitae Variant Classification Sherloc (09022015). Collection method: clinical testing. Allele origin: germline.
Comment: This sequence change replaces glutamic acid, which is acidic and polar, with lysine, which is basic and polar, at codon 340 of the GALT protein (p.Glu340Lys). This variant is not present in population databases (gnomAD no frequency). This missense change has been observed in individual(s) with GALT-related conditions (PMID: 10649501, 20213376, 22944367, 28065439; internal data). ClinVar contains an entry for this variant (Variation ID: 25317). Invitae Evidence Modeling of protein sequence and biophysical properties (such as structural, functional, and spatial information, amino acid conservation, physicochemical variation, residue mobility, and thermodynamic stability) indicates that this missense variant is expected to disrupt GALT protein function with a positive predictive value of 95%. In summary, the currently available evidence indicates that the variant is pathogenic, but additional data are needed to prove that conclusively. Therefore, this variant has been classified as Likely Pathogenic.

Baylor Genetics
Classification: Likely pathogenic for Deficiency of UDPglucose-hexose-1-phosphate uridylyltransferase. Last evaluated: 2023-06-12. Review status: criteria provided, single submitter. Criteria: ACMG Guidelines, 2015. Collection method: clinical testing. Allele origin: unknown.

Women's Health and Genetics/Laboratory Corporation of America, LabCorp
Classification: Uncertain significance. Last evaluated: 2021-08-26. Review status: criteria provided, single submitter. Criteria: LabCorp Variant Classification Summary - May 2015. Collection method: clinical testing. Allele origin: germline.
Comment: Variant summary: GALT c.1018G>A (p.Glu340Lys) results in a conservative amino acid change located in the Galactose-1-phosphate uridyl transferase, C-terminal domain of the encoded protein sequence. Four of five in-silico tools predict a damaging effect of the variant on protein function. The variant was absent in 251462 control chromosomes. c.1018G>A has been reported in the literature in individuals affected with Galactosemia in the homozygous and compound heterozygous state with the Duarte allele in cis (Kozak_2000, Milankovics_2010), the compound heterozygous without reporting the of presence of Duarte allele (Siripunthana_2013) and in the heterozygous state without a reported second allele and unknown Duarte allele status (Welling_2017). The penetrance of the variant in isolation is unknown. Additionally, to our knowledge, no experimental studies have been performed on this variant in isolation. One clinical diagnostic laboratory has submitted clinical-significance assessments for this variant to ClinVar after 2014 without evidence for independent evaluation. One laboratory classified the variant as uncertain significance. Based on the evidence outlined above, the variant was classified as VUS-possibly pathogenic.

Natera, Inc.
Classification: Uncertain significance for Galactosemia. Last evaluated: 2021-08-10. Review status: no assertion criteria provided. Collection method: clinical testing. Allele origin: germline. Not counted in ClinVar's aggregate classification.

Literature cited by the submitters: PubMed 10649501 (cited by Labcorp Genetics (formerly Invitae), Labcorp and Women's Health and Genetics/Laboratory Corporation of America, LabCorp); PubMed 20213376 (cited by Labcorp Genetics (formerly Invitae), Labcorp and Women's Health and Genetics/Laboratory Corporation of America, LabCorp); PubMed 22944367 (cited by Labcorp Genetics (formerly Invitae), Labcorp and Women's Health and Genetics/Laboratory Corporation of America, LabCorp); PubMed 28065439 (cited by Labcorp Genetics (formerly Invitae), Labcorp and Women's Health and Genetics/Laboratory Corporation of America, LabCorp); PubMed 23583749 (cited by Women's Health and Genetics/Laboratory Corporation of America, LabCorp); PubMed 30275481 (cited by Women's Health and Genetics/Laboratory Corporation of America, LabCorp).

NM_000155.4(GALT):c.1018G>A (p.Glu340Lys)

Gene: GALT (galactose-1-phosphate uridylyltransferase; plus strand). Cytogenetic location: 9p13.3.
Variant type: single nucleotide variant.
Coding change: c.1018G>A on transcript NM_000155.4 (MANE Select); coding-DNA position 1018, G replaced by A.
Protein change: p.Glu340Lys; replaces glutamic acid 340 with lysine.
Molecular consequence: missense variant.
Genome position (GRCh38, 1-based): chr9:34,649,523, G>A. VCF-style: chr9-34649523-G-A. GRCh37 (hg19) VCF-style: chr9-34649520-G-A.
Other names: c.691G>A, p.Glu231Lys (NM_001258332.2); short protein forms E231K.
Identifiers: ClinVar variation 25317 (VCV000025317.14), dbSNP rs111033806, ClinGen allele CA259567.